The following is an entry in ClinVar:

NM_019032.6(ADAMTSL4):c.1267C>T (p.Arg423Trp)

Genes: ADAMTSL4 (ADAMTS like 4; plus strand), ADAMTSL4-AS2 (ADAMTSL4 antisense RNA 2; minus strand). Cytogenetic location: 1q21.2.
Variant type: single nucleotide variant.
Coding change: c.1267C>T on transcript NM_019032.6 (MANE Select); coding-DNA position 1267, C replaced by T.
Protein change: p.Arg423Trp; replaces arginine 423 with tryptophan.
Molecular consequence: missense variant.
Genome position (GRCh38, 1-based): chr1:150,555,461, C>T. VCF-style: chr1-150555461-C-T. GRCh37 (hg19) VCF-style: chr1-150527937-C-T.
Other names: c.1336C>T, p.Arg446Trp (NM_001288607.2, NM_001288608.2); c.1267C>T, p.Arg423Trp (NM_001378596.1, NM_025008.5); short protein forms R423W, R446W.
Identifiers: ClinVar variation 1388225 (VCV001388225.3), dbSNP rs200905514, ClinGen allele CA1078212.

ClinVar aggregate classification (germline): Uncertain significance (1 of 4 stars; one submission).

gnomAD v4.1: 17 of 1,614,150 alleles (0.0011%); highest among the groups gnomAD compares: Non-Finnish European, 0.0014%; no homozygotes.

Submission:

Labcorp Genetics (formerly Invitae), Labcorp
Classification: Uncertain significance. Last evaluated: 2022-03-09. Review status: criteria provided, single submitter. Criteria: Invitae Variant Classification Sherloc (09022015). Collection method: clinical testing. Allele origin: germline.
Comment: This sequence change replaces arginine, which is basic and polar, with tryptophan, which is neutral and slightly polar, at codon 423 of the ADAMTSL4 protein (p.Arg423Trp). This variant is present in population databases (rs200905514, gnomAD 0.002%). This variant has not been reported in the literature in individuals affected with ADAMTSL4-related conditions. Algorithms developed to predict the effect of missense changes on protein structure and function (SIFT, PolyPhen-2, Align-GVGD) all suggest that this variant is likely to be disruptive. In summary, the available evidence is currently insufficient to determine the role of this variant in disease. Therefore, it has been classified as a Variant of Uncertain Significance.